The following is an entry in ClinVar:

NM_000501.4(ELN):c.1049G>A (p.Gly350Glu)

Gene: ELN (elastin; plus strand). Cytogenetic location: 7q11.23.
Variant type: single nucleotide variant.
Coding change: c.1049G>A on transcript NM_000501.4 (MANE Select); coding-DNA position 1049, G replaced by A.
Protein change: p.Gly350Glu; replaces glycine 350 with glutamic acid.
Molecular consequence: missense variant.
Genome position (GRCh38, 1-based): chr7:74,053,262, G>A. VCF-style: chr7-74053262-G-A. GRCh37 (hg19) VCF-style: chr7-73467592-G-A.
Other names: c.1019G>A, p.Gly340Glu (NM_001081752.3, NM_001278917.2); c.1064G>A, p.Gly355Glu (NM_001081753.3, NM_001081754.3); c.1049G>A, p.Gly350Glu (NM_001081755.3, NM_001278912.2, NM_001278915.2 and 1 more transcripts); c.941G>A, p.Gly314Glu (NM_001278913.2); c.1034G>A, p.Gly345Glu (NM_001278914.2); c.1007G>A, p.Gly336Glu (NM_001278916.2); c.917G>A, p.Gly306Glu (NM_001278918.2); short protein forms G306E, G336E, G340E, G345E, G355E, G314E, G350E.
Identifiers: ClinVar variation 4742462 (VCV004742462.1).
Genomic context (GRCh38, chr7:74,053,262, plus strand): 5'-GCCCGGGAGTAGTTGGTGTCCCAGGAGCTGGCGTTCCAGGTGTTGGTGTCCCAGGAGCTG[G>A]GATTCCAGTTGTCCCAGGTGCTGGGATCCCAGGTGCTGCGGTTCCAGGTGAGCTGGGCTG-3'
Protein context (NP_000492.2, residues 340-360): GVPGVGVPGA[Gly350Glu]IPVVPGAGIP

ClinVar aggregate classification (germline): Uncertain significance (1 of 4 stars; one submission).

Conditions:
Supravalvar aortic stenosis (SVAS). Also called: Supravalvar aortic stenosis, Eisenberg type. Identifiers: Orphanet 3193, MedGen C0003499, MONDO:0008504, OMIM 185500, HP:0004381.

gnomAD v4.1: 49 of 1,613,868 alleles (0.003%); highest among the groups gnomAD compares: Non-Finnish European, 0.0041%; no homozygotes.

Submission:

Labcorp Genetics (formerly Invitae), Labcorp
Classification: Uncertain significance for Supravalvar aortic stenosis. Last evaluated: 2026-01-24. Review status: criteria provided, single submitter. Criteria: Invitae Variant Classification Sherloc (09022015). Collection method: clinical testing. Allele origin: germline.
Comment: This sequence change replaces glycine, which is neutral and non-polar, with glutamic acid, which is acidic and polar, at codon 350 of the ELN protein (p.Gly350Glu). This variant is not present in population databases (gnomAD no frequency). This variant has not been reported in the literature in individuals affected with ELN-related conditions. Invitae Evidence Modeling of protein sequence and biophysical properties (such as structural, functional, and spatial information, amino acid conservation, physicochemical variation, residue mobility, and thermodynamic stability) indicates that this missense variant is not expected to disrupt ELN protein function with a negative predictive value of 80%. In summary, the available evidence is currently insufficient to determine the role of this variant in disease. Therefore, it has been classified as a Variant of Uncertain Significance.